The following is an entry in ClinVar:

NM_144643.4(SCLT1):c.352G>C (p.Glu118Gln)

Gene: SCLT1 (sodium channel and clathrin linker 1; minus strand). Cytogenetic location: 4q28.2.
Variant type: single nucleotide variant.
Coding change: c.352G>C on transcript NM_144643.4 (MANE Select); coding-DNA position 352, G replaced by C.
Protein change: p.Glu118Gln; replaces glutamic acid 118 with glutamine.
Molecular consequence: missense variant.
Genome position (GRCh38, 1-based): chr4:129,003,815, C>G on the plus strand (G>C on the coding strand, the complement: SCLT1 is on the minus strand). VCF-style: chr4-129003815-C-G. GRCh37 (hg19) VCF-style: chr4-129924970-C-G.
Other names: c.352G>C, p.Glu118Gln (NM_001410807.1); short protein forms E118Q.
Identifiers: ClinVar variation 4994871 (VCV004994871.1).
Genomic context (GRCh38, chr4:129,003,815, plus strand): 5'-GCAATTGTTCTTGAAGGTTTCTGACTGTTTCATCATCTGCATATATGTCAGTTCCTACCT[C>G]TGTGCCCAGGGGAAAGGCCTCCAATTTTTTTTCAACAGCATCTTTTAATTCACTGTGCAA-3'
Protein context (NP_653244.2, residues 108-128): KKLEAFPLGT[Glu118Gln]VGTDIYADDE

ClinVar aggregate classification (germline): Uncertain significance (1 of 4 stars; one submission).

Conditions:
SCLT1-related disorder. Also called: SCLT1-related condition.

gnomAD v4.1: 1 of 1,612,226 alleles (0.000062%); highest among the groups gnomAD compares: South Asian, 0.0011%; no homozygotes.

Submission:

PreventionGenetics, part of Exact Sciences
Classification: Uncertain significance for SCLT1-related condition. Last evaluated: 2026-09-16. Review status: criteria provided, single submitter. Criteria: ACMG Guidelines, 2015. Collection method: clinical testing. Allele origin: germline.
Comment: The SCLT1 c.352G>C variant is predicted to result in the amino acid substitution p.Glu118Gln. To our knowledge, this variant has not been reported in the literature or in a large population database (gnomAD), indicating this variant is rare. At this time, the clinical significance of this variant is uncertain due to the absence of conclusive functional and genetic evidence.